The following is an entry in ClinVar:

NM_021620.4(PRDM13):c.119G>A (p.Arg40His)

Gene: PRDM13 (PR/SET domain 13; plus strand). Cytogenetic location: 6q16.2.
Variant type: single nucleotide variant.
Coding change: c.119G>A on transcript NM_021620.4 (MANE Select); coding-DNA position 119, G replaced by A.
Protein change: p.Arg40His; replaces arginine 40 with histidine.
Molecular consequence: missense variant.
Genome position (GRCh38, 1-based): chr6:99,607,153, G>A. VCF-style: chr6-99607153-G-A. GRCh37 (hg19) VCF-style: chr6-100055029-G-A.
Other names: short protein forms R40H.
Identifiers: ClinVar variation 1965354 (VCV001965354.5), dbSNP rs752925492, ClinGen allele CA3936096.

ClinVar aggregate classification (germline): Uncertain significance (1 of 4 stars; one submission).

Allele frequency attached by ClinVar (database versions not stated): ExAC 0.00001.
gnomAD v4.1: 6 of 1,613,804 alleles (0.00037%); highest among the groups gnomAD compares: Middle Eastern, 0.016%; no homozygotes.

Submission:

Labcorp Genetics (formerly Invitae), Labcorp
Classification: Uncertain significance. Last evaluated: 2022-09-07. Review status: criteria provided, single submitter. Criteria: Invitae Variant Classification Sherloc (09022015). Collection method: clinical testing. Allele origin: germline.
Comment: In summary, the available evidence is currently insufficient to determine the role of this variant in disease. Therefore, it has been classified as a Variant of Uncertain Significance. Algorithms developed to predict the effect of missense changes on protein structure and function are either unavailable or do not agree on the potential impact of this missense change (SIFT: "Deleterious"; PolyPhen-2: "Probably Damaging"; Align-GVGD: "Class C0"). This variant has not been reported in the literature in individuals affected with PRDM13-related conditions. This variant is present in population databases (rs752925492, gnomAD 0.002%). This sequence change replaces arginine, which is basic and polar, with histidine, which is basic and polar, at codon 40 of the PRDM13 protein (p.Arg40His).